The following is an entry in ClinVar:

NM_001370466.1(NOD2):c.-8G>C

Gene: NOD2 (nucleotide binding oligomerization domain containing 2; plus strand). Cytogenetic location: 16q12.1.
Variant type: single nucleotide variant.
Coding change: c.-8G>C on transcript NM_001370466.1 (MANE Select); 8 bases upstream of the start codon, G replaced by C.
Molecular consequence: 5 prime UTR variant. On other transcripts: missense variant (1), non-coding transcript variant (1).
Genome position (GRCh38, 1-based): chr16:50,699,488, G>C. VCF-style: chr16-50699488-G-C. GRCh37 (hg19) VCF-style: chr16-50733399-G-C.
Other names: c.-8G>C (NM_001293557.2); c.74G>C, p.Gly25Ala (NM_022162.3); short protein forms G25A.
Identifiers: ClinVar variation 2934952 (VCV002934952.3), dbSNP rs567793250, ClinGen allele CA395865146.
Genomic context (GRCh38, chr16:50,699,488, plus strand): 5'-CTGACCACCCTGCATCTGGCTTCTGGAGAAGTCCCGCACTGACCTTGTTCTCCTCCCCAG[G>C]TTGTGAAATGTGCTCGCAGGAGGCTTTTCAGGCACAGAGGAGCCAGCTGGTCGAGCTGCT-3'

ClinVar aggregate classification (germline): Uncertain significance (1 of 4 stars; one submission).

Conditions:
Regional enteritis. Also called: Enteritis, Granulomatous. Identifiers: MedGen C0678202, MeSH D003424.
Blau syndrome (BLAUS). Also called: GRANULOMATOSIS, FAMILIAL JUVENILE SYSTEMIC; GRANULOMATOSIS, FAMILIAL, BLAU TYPE; GRANULOMATOUS INFLAMMATORY ARTHRITIS, DERMATITIS, AND UVEITIS, FAMILIAL; JABS SYNDROME; ARTHROCUTANEOUVEAL GRANULOMATOSIS. Identifiers: Orphanet 90340, MedGen C5201146, MONDO:0008523, OMIM 186580.

Allele frequency attached by ClinVar (database versions not stated): gnomAD exomes below 0.00001.
gnomAD v4.1: 4 of 1,612,918 alleles (0.00025%); highest among the groups gnomAD compares: Admixed American, 0.0067%; no homozygotes.

Submission:

Labcorp Genetics (formerly Invitae), Labcorp
Classification: Uncertain significance for Regional enteritis; Blau syndrome. Last evaluated: 2025-07-27. Review status: criteria provided, single submitter. Criteria: Invitae Variant Classification Sherloc (09022015). Collection method: clinical testing. Allele origin: germline.
Comment: This sequence change replaces glycine, which is neutral and non-polar, with alanine, which is neutral and non-polar, at codon 25 of the NOD2 protein (p.Gly25Ala). This variant is present in population databases (no rsID available, gnomAD 0.009%). This variant has not been reported in the literature in individuals affected with NOD2-related conditions. ClinVar contains an entry for this variant (Variation ID: 2934952). Invitae Evidence Modeling of protein sequence and biophysical properties (such as structural, functional, and spatial information, amino acid conservation, physicochemical variation, residue mobility, and thermodynamic stability) has been performed for this missense variant. However, the output from this modeling did not meet the statistical confidence thresholds required to predict the impact of this variant on NOD2 protein function. In summary, the available evidence is currently insufficient to determine the role of this variant in disease. Therefore, it has been classified as a Variant of Uncertain Significance.